The following is an entry in ClinVar:

NM_006397.3(RNASEH2A):c.773C>T (p.Ala258Val)

Gene: RNASEH2A (ribonuclease H2 subunit A; plus strand). Cytogenetic location: 19p13.13.
Variant type: single nucleotide variant.
Coding change: c.773C>T on transcript NM_006397.3 (MANE Select); coding-DNA position 773, C replaced by T.
Protein change: p.Ala258Val; replaces alanine 258 with valine.
Molecular consequence: missense variant.
Genome position (GRCh38, 1-based): chr19:12,813,339, C>T. VCF-style: chr19-12813339-C-T. GRCh37 (hg19) VCF-style: chr19-12924153-C-T.
Other names: short protein forms A258V.
Identifiers: ClinVar variation 2119159 (VCV002119159.4), dbSNP rs15389, ClinGen allele CA404269615.

ClinVar aggregate classification (germline): Uncertain significance (1 of 4 stars; one submission).

Conditions:
Aicardi-Goutieres syndrome 4. Identifiers: Orphanet 51, MedGen C1835912, MONDO:0012472, OMIM 610333.

Submission:

Labcorp Genetics (formerly Invitae), Labcorp
Classification: Uncertain significance for Aicardi-Goutieres syndrome 4. Last evaluated: 2024-04-10. Review status: criteria provided, single submitter. Criteria: Invitae Variant Classification Sherloc (09022015). Collection method: clinical testing. Allele origin: germline.
Comment: This sequence change replaces alanine, which is neutral and non-polar, with valine, which is neutral and non-polar, at codon 258 of the RNASEH2A protein (p.Ala258Val). This variant is not present in population databases (gnomAD no frequency). This variant has not been reported in the literature in individuals affected with RNASEH2A-related conditions. ClinVar contains an entry for this variant (Variation ID: 2119159). An algorithm developed to predict the effect of missense changes on protein structure and function (PolyPhen-2) suggests that this variant is likely to be tolerated. In summary, the available evidence is currently insufficient to determine the role of this variant in disease. Therefore, it has been classified as a Variant of Uncertain Significance.